The following is an entry in ClinVar:

ClinVar aggregate classification (germline): Uncertain significance (1 of 4 stars; one submission).

Conditions:
Hereditary pheochromocytoma and paraganglioma. Also called: Hereditary pheochromocytoma-paraganglioma; Hereditary Paraganglioma-Pheochromocytoma Syndromes; Hereditary paragangliomas and pheochromocytomas. Identifiers: Orphanet 29072, MedGen C4274332, MONDO:0017366.

Submission:

Labcorp Genetics (formerly Invitae), Labcorp
Classification: Uncertain significance for Hereditary pheochromocytoma and paraganglioma. Last evaluated: 2020-02-13. Review status: criteria provided, single submitter. Criteria: Invitae Variant Classification Sherloc (09022015). Collection method: clinical testing. Allele origin: germline.
Comment: This sequence change replaces glutamic acid with aspartic acid at codon 135 of the SDHAF2 protein (p.Glu135Asp). The glutamic acid residue is highly conserved and there is a small physicochemical difference between glutamic acid and aspartic acid. This variant is not present in population databases (ExAC no frequency). This variant has not been reported in the literature in individuals with SDHAF2-related conditions. Algorithms developed to predict the effect of missense changes on protein structure and function output the following: SIFT: "Tolerated"; PolyPhen-2: "Benign"; Align-GVGD: "Class C0". The aspartic acid amino acid residue is found in multiple mammalian species, suggesting that this missense change does not adversely affect protein function. These predictions have not been confirmed by published functional studies and their clinical significance is uncertain. In summary, the available evidence is currently insufficient to determine the role of this variant in disease. Therefore, it has been classified as a Variant of Uncertain Significance.

NM_017841.4(SDHAF2):c.405A>C (p.Glu135Asp)

Gene: SDHAF2 (succinate dehydrogenase complex assembly factor 2; plus strand). Cytogenetic location: 11q12.2.
Variant type: single nucleotide variant.
Coding change: c.405A>C on transcript NM_017841.4 (MANE Select); coding-DNA position 405, A replaced by C.
Protein change: p.Glu135Asp; replaces glutamic acid 135 with aspartic acid.
Molecular consequence: missense variant.
Genome position (GRCh38, 1-based): chr11:61,445,975, A>C. VCF-style: chr11-61445975-A-C. GRCh37 (hg19) VCF-style: chr11-61213447-A-C.
Other names: short protein forms E135D.
Identifiers: ClinVar variation 1026983 (VCV001026983.9), dbSNP rs1862132038, ClinGen allele CA380685312.